The following is an entry in ClinVar:

ClinVar aggregate classification (germline): Pathogenic (1 of 4 stars; one submission).

Conditions:
Mucopolysaccharidosis, MPS-II (MPS2). Also called: Hunter Syndrome; IDURONATE 2-SULFATASE DEFICIENCY; Mucopolysaccharidosis Type II; Mucopolysaccharidosis type 2; Attenuated MPS (subtype; formerly known as mild MPS II); Severe MPS II. Identifiers: Orphanet 580, Orphanet 79388, MedGen C0026705, MONDO:0010674, OMIM 309900.

Submission:

Laboratory of Diagnosis and Therapy of Lysosomal Disorders, University of Padova
Classification: Pathogenic for Mucopolysaccharidosis, MPS-II. Last evaluated: 2024-06-07. Review status: criteria provided, single submitter. Criteria: ACMG Guidelines, 2015. Collection method: literature only. Allele origin: germline. Affected: yes. Observed: 3 variant alleles.
Comment: Null variant (PVS1_VeryStrong), Absent from controls (or at low frequency) in gnomAD database (PM2_Moderate), Patient’s phenotype or family history highly specific for the disease (PP4_Strong)

Classification method: ACMG Guidelines [PMID:25741868] with modifications

Literature cited by the submitters: PubMed 8281149; PubMed 8111411; PubMed 7887413.

NM_000202.8(IDS):c.693del (p.Phe232fs)

Genes: IDS (iduronate 2-sulfatase; minus strand), LOC106050102 (IDS recombination region; plus strand). Cytogenetic location: Xq28.
Variant type: Deletion.
Coding change: c.693del on transcript NM_000202.8 (MANE Select); coding-DNA position 693, one base deleted (C; older notation c.693delC).
Protein change: p.Phe232fs; shifts the reading frame from phenylalanine 232.
Molecular consequence: frameshift variant. On other transcripts: non-coding transcript variant (1).
Genome position (GRCh38, 1-based): chrX:149,498,122, G deleted on the plus strand (C on the coding strand, the reverse complement: IDS is on the minus strand); the first of 4 consecutive G bases (chrX:149,498,122-149,498,125); deleting any one gives the same sequence. VCF-style (leftmost placement, unchanged base first): chrX-149498121-AG-A. GRCh37 (hg19) VCF-style: chrX-148579652-AG-A.
Other names: c.423del, p.Phe142fs (NM_001166550.4); c.693del, p.Phe232fs (NM_006123.5); short protein forms F142fs, F232fs.
Identifiers: ClinVar variation 3255808 (VCV003255808.2).